The following is an entry in ClinVar:

NM_000234.3(LIG1):c.1087+6G>A

Gene: LIG1 (DNA ligase 1; minus strand). Cytogenetic location: 19q13.33.
Variant type: single nucleotide variant.
Coding change: c.1087+6G>A on transcript NM_000234.3 (MANE Select); 6 bases into the intron after coding-DNA position 1087, G replaced by A.
Molecular consequence: intron variant.
Genome position (GRCh38, 1-based): chr19:48,139,965, C>T on the plus strand (G>A on the coding strand, the complement: LIG1 is on the minus strand). VCF-style: chr19-48139965-C-T. GRCh37 (hg19) VCF-style: chr19-48643222-C-T.
Other names: c.994+6G>A (NM_001289063.2); c.997+6G>A (NM_001320971.2); c.883+6G>A (NM_001289064.2); c.1084+6G>A (NM_001320970.2).
Identifiers: ClinVar variation 2122291 (VCV002122291.4), dbSNP rs759049624, ClinGen allele CA9546997.

ClinVar aggregate classification (germline): Uncertain significance (1 of 4 stars; one submission).

Allele frequency attached by ClinVar (database versions not stated): gnomAD exomes below 0.00001; ExAC 0.00002.
gnomAD v4.1: 4 of 1,614,120 alleles (0.00025%); highest among the groups gnomAD compares: Middle Eastern, 0.016%; no homozygotes.

Submission:

Labcorp Genetics (formerly Invitae), Labcorp
Classification: Uncertain significance. Last evaluated: 2022-04-11. Review status: criteria provided, single submitter. Criteria: Invitae Variant Classification Sherloc (09022015). Collection method: clinical testing. Allele origin: germline.
Comment: In summary, the available evidence is currently insufficient to determine the role of this variant in disease. Therefore, it has been classified as a Variant of Uncertain Significance. Variants that disrupt the consensus splice site are a relatively common cause of aberrant splicing (PMID: 17576681, 9536098). Algorithms developed to predict the effect of sequence changes on RNA splicing suggest that this variant is not likely to affect RNA splicing. This variant has not been reported in the literature in individuals affected with LIG1-related conditions. This variant is present in population databases (rs759049624, gnomAD 0.003%). This sequence change falls in intron 12 of the LIG1 gene. It does not directly change the encoded amino acid sequence of the LIG1 protein. It affects a nucleotide within the consensus splice site.

Literature cited by the submitters: PubMed 17576681; PubMed 9536098.